The following continues an entry in ClinVar:

NM_005341.4(ZBTB48):c.1379+5G>A

Gene: ZBTB48. ClinVar aggregate classification (germline): Likely benign.

Submissions 34 to 44 of 44:

Dr. Peter K. Rogan Lab, Western University
No classification provided (evidence only). Condition: Uterine carcinosarcoma. Review status: no classification provided. Collection method: in vitro. Allele origin: not applicable. Functional consequence: retained intron. Not counted in ClinVar's aggregate classification.

Dr. Peter K. Rogan Lab, Western University
No classification provided (evidence only). Condition: Uterine carcinosarcoma. Review status: no classification provided. Collection method: in vitro. Allele origin: not applicable. Functional consequence: retained intron. Not counted in ClinVar's aggregate classification.

Dr. Peter K. Rogan Lab, Western University
No classification provided (evidence only). Condition: Uterine carcinosarcoma. Review status: no classification provided. Collection method: in vitro. Allele origin: not applicable. Functional consequence: skipped exon. Not counted in ClinVar's aggregate classification.

Dr. Peter K. Rogan Lab, Western University
No classification provided (evidence only). Condition: Uveal melanoma. Review status: no classification provided. Collection method: in vitro. Allele origin: not applicable. Functional consequence: retained intron. Not counted in ClinVar's aggregate classification.

Dr. Peter K. Rogan Lab, Western University
No classification provided (evidence only). Condition: Malignant tumor of esophagus. Review status: no classification provided. Collection method: in vitro. Allele origin: not applicable. Functional consequence: retained intron. Not counted in ClinVar's aggregate classification.

Dr. Peter K. Rogan Lab, Western University
No classification provided (evidence only). Condition: Malignant tumor of esophagus. Review status: no classification provided. Collection method: in vitro. Allele origin: not applicable. Functional consequence: retained intron. Not counted in ClinVar's aggregate classification.

Dr. Peter K. Rogan Lab, Western University
No classification provided (evidence only). Condition: Malignant tumor of esophagus. Review status: no classification provided. Collection method: in vitro. Allele origin: not applicable. Functional consequence: skipped exon, retained intron. Not counted in ClinVar's aggregate classification.

Dr. Peter K. Rogan Lab, Western University
No classification provided (evidence only). Condition: Chronic lymphocytic leukemia/small lymphocytic lymphoma. Review status: no classification provided. Collection method: in vitro. Allele origin: not applicable. Functional consequence: retained intron. Not counted in ClinVar's aggregate classification.

Dr. Peter K. Rogan Lab, Western University
No classification provided (evidence only). Condition: Nonpapillary renal cell carcinoma. Review status: no classification provided. Collection method: in vitro. Allele origin: not applicable. Functional consequence: skipped exon, retained intron. Not counted in ClinVar's aggregate classification.

Dr. Peter K. Rogan Lab, Western University
No classification provided (evidence only). Condition: Familial pancreatic carcinoma. Review status: no classification provided. Collection method: in vitro. Allele origin: not applicable. Functional consequence: retained intron. Not counted in ClinVar's aggregate classification.

Dr. Peter K. Rogan Lab, Western University
No classification provided (evidence only). Condition: Lymphoma. Review status: no classification provided. Collection method: in vitro. Allele origin: not applicable. Functional consequence: retained intron. Not counted in ClinVar's aggregate classification.